The following is an entry in ClinVar:

NM_005097.4(LGI1):c.78A>T (p.Leu26Phe)

Gene: LGI1 (leucine rich glioma inactivated 1; plus strand). Cytogenetic location: 10q23.33.
Variant type: single nucleotide variant.
Coding change: c.78A>T on transcript NM_005097.4 (MANE Select); coding-DNA position 78, A replaced by T.
Protein change: p.Leu26Phe; replaces leucine 26 with phenylalanine.
Molecular consequence: missense variant. On other transcripts: non-coding transcript variant (1).
Genome position (GRCh38, 1-based): chr10:93,758,222, A>T. VCF-style: chr10-93758222-A-T. GRCh37 (hg19) VCF-style: chr10-95517979-A-T.
Other names: c.78A>T, p.Leu26Phe (NM_001308275.2, NM_001308276.2); short protein forms L26F.
Identifiers: ClinVar variation 4797998 (VCV004797998.1).

ClinVar aggregate classification (germline): Uncertain significance (1 of 4 stars; one submission).

Conditions:
Autosomal dominant epilepsy with auditory features. Identifiers: Orphanet 101046, MedGen C1838062, MONDO:0010898.

gnomAD v4.1: 1 of 1,614,166 alleles (0.000062%); highest among the groups gnomAD compares: Admixed American, 0.0017%; no homozygotes.

Submission:

Labcorp Genetics (formerly Invitae), Labcorp
Classification: Uncertain significance for Autosomal dominant epilepsy with auditory features. Last evaluated: 2025-12-09. Review status: criteria provided, single submitter. Criteria: Invitae Variant Classification Sherloc (09022015). Collection method: clinical testing. Allele origin: germline.
Comment: This sequence change replaces leucine, which is neutral and non-polar, with phenylalanine, which is neutral and non-polar, at codon 26 of the LGI1 protein (p.Leu26Phe). This variant is present in population databases (no rsID available, gnomAD 0.0009%). This variant has not been reported in the literature in individuals affected with LGI1-related conditions. An algorithm developed to predict the effect of missense changes on protein structure and function outputs the following: PolyPhen-2: "Benign". The phenylalanine amino acid residue is found in multiple mammalian species, which suggests that this missense change does not adversely affect protein function. In summary, the available evidence is currently insufficient to determine the role of this variant in disease. Therefore, it has been classified as a Variant of Uncertain Significance.